The following is an entry in ClinVar:

ClinVar aggregate classification (germline): Conflicting classifications of pathogenicity. Review status: criteria provided, conflicting classifications (1 of 4 stars). 2 submissions from 2 submitters: Uncertain significance (1); Likely benign (1). Last evaluated 2026-03-01.

gnomAD v4.1: 914 of 1,603,938 alleles (0.057%); highest among the groups gnomAD compares: African/African-American, 1.1%; 6 homozygotes.

Submissions (2):

CeGaT Center for Human Genetics Tuebingen
Classification: Likely benign. Last evaluated: 2026-03-01. Review status: criteria provided, single submitter. Criteria: CeGaT Center For Human Genetics Tuebingen Variant Classification Criteria Version 2. Collection method: clinical testing. Allele origin: germline. Affected: yes. Observed: 1 variant allele.
Comment: GATB: BP4, BS1

Ambry Genetics
Classification: Uncertain significance. Last evaluated: 2025-08-02. Review status: criteria provided, single submitter. Criteria: Ambry Variant Classification Scheme 2023. Collection method: clinical testing. Allele origin: germline.

NM_004564.3(GATB):c.881A>G (p.Tyr294Cys)

Gene: GATB (glutamyl-tRNA amidotransferase subunit B; minus strand). Cytogenetic location: 4q31.3.
Variant type: single nucleotide variant.
Coding change: c.881A>G on transcript NM_004564.3 (MANE Select); coding-DNA position 881, A replaced by G.
Protein change: p.Tyr294Cys; replaces tyrosine 294 with cysteine.
Molecular consequence: missense variant.
Genome position (GRCh38, 1-based): chr4:151,705,266, T>C on the plus strand (A>G on the coding strand, the complement: GATB is on the minus strand). VCF-style: chr4-151705266-T-C. GRCh37 (hg19) VCF-style: chr4-152626418-T-C.
Other names: c.881A>G, p.Tyr294Cys (NM_001363341.2); short protein forms Y294C.
Identifiers: ClinVar variation 4262226 (VCV004262226.5).